The following is an entry in ClinVar:

ClinVar aggregate classification (germline): Benign/Likely benign. Review status: criteria provided, multiple submitters, no conflicts (2 of 4 stars). 4 submissions from 4 submitters: Benign (1); Likely benign (1). 2 of the submissions do not count toward it. Last evaluated 2026-01-12.

Conditions:
SGSH-related disorder. Also called: SGSH-related condition.
Mucopolysaccharidosis, MPS-III-A (MPS3A). Also called: MUCOPOLYSACCHARIDOSIS, TYPE IIIA, ATTENUATED; HEPARAN SULFATE SULFATASE DEFICIENCY; SANFILIPPO SYNDROME A; SULFAMIDASE DEFICIENCY; Mucopolysaccharidosis, type IIIA; MPS III A. Identifiers: Orphanet 581, Orphanet 79269, MedGen C0086647, MONDO:0009655, OMIM 252900.

Allele frequency attached by ClinVar (database versions not stated): gnomAD exomes 0.00012 and 0.00018; gnomAD 0.00060 and 0.00066; ExAC 0.00032; TOPMed 0.00066; ESP Exome Variant Server 0.00069; 1000 Genomes Project 30x 0.00078; 1000 Genomes Project 0.00080.
gnomAD v4.1: 270 of 1,611,568 alleles (0.017%); highest among the groups gnomAD compares: African/African-American, 0.19%; no homozygotes.

Submissions (4):

Labcorp Genetics (formerly Invitae), Labcorp
Classification: Benign for Mucopolysaccharidosis, MPS-III-A. Last evaluated: 2026-01-12. Review status: criteria provided, single submitter. Criteria: Invitae Variant Classification Sherloc (09022015). Collection method: clinical testing. Allele origin: germline.

Blueprint Genetics
Classification: Likely benign. Last evaluated: 2024-07-02. Review status: criteria provided, single submitter. Criteria: ACMG Guidelines, 2015. Collection method: clinical testing. Allele origin: germline.

PreventionGenetics, part of Exact Sciences
Classification: Likely benign for SGSH-related condition. Last evaluated: 2020-10-10. Review status: no assertion criteria provided. Collection method: clinical testing. Allele origin: germline. Not counted in ClinVar's aggregate classification.
Comment: This variant is classified as likely benign based on ACMG/AMP sequence variant interpretation guidelines (Richards et al. 2015 PMID: 25741868, with internal and published modifications).

Natera, Inc.
Classification: Likely benign for Mucopolysaccharidosis type IIIA. Last evaluated: 2020-05-04. Review status: no assertion criteria provided. Collection method: clinical testing. Allele origin: germline. Not counted in ClinVar's aggregate classification.

NM_000199.5(SGSH):c.1428C>T (p.His476=)

Gene: SGSH (N-sulfoglucosamine sulfohydrolase; minus strand). Cytogenetic location: 17q25.3.
Variant type: single nucleotide variant.
Coding change: c.1428C>T on transcript NM_000199.5 (MANE Select); coding-DNA position 1428, C replaced by T.
Protein change: p.His476=; no amino-acid change (histidine 476 retained).
Molecular consequence: synonymous variant. On other transcripts: 3 prime UTR variant (2), non-coding transcript variant (1).
Genome position (GRCh38, 1-based): chr17:80,210,533, G>A on the plus strand (C>T on the coding strand, the complement: SGSH is on the minus strand). VCF-style: chr17-80210533-G-A. GRCh37 (hg19) VCF-style: chr17-78184332-G-A.
Other names: c.*515C>T (NM_001352921.3); c.*478C>T (NM_001352922.2).
Identifiers: ClinVar variation 722971 (VCV000722971.15), dbSNP rs139460639, ClinGen allele CA8817589.